The following is an entry in ClinVar:

ClinVar aggregate classification (germline): Uncertain significance (1 of 4 stars; one submission).

Conditions:
RYR1-related disorder. Also called: RYR1-related condition; RYR1-related disorders. Identifiers: MedGen CN239331.

Allele frequency attached by ClinVar (database versions not stated): gnomAD exomes below 0.00001.
gnomAD v4.1: 1 of 1,614,242 alleles (0.000062%); highest among the groups gnomAD compares: Non-Finnish European, 0.000085%; no homozygotes.

Submission:

Labcorp Genetics (formerly Invitae), Labcorp
Classification: Uncertain significance for RYR1-related disorder. Last evaluated: 2023-08-04. Review status: criteria provided, single submitter. Criteria: Invitae Variant Classification Sherloc (09022015). Collection method: clinical testing. Allele origin: germline.
Comment: This sequence change replaces isoleucine, which is neutral and non-polar, with methionine, which is neutral and non-polar, at codon 3914 of the RYR1 protein (p.Ile3914Met). This variant is not present in population databases (gnomAD no frequency). This variant has not been reported in the literature in individuals affected with RYR1-related conditions. ClinVar contains an entry for this variant (Variation ID: 1984459). Advanced modeling of protein sequence and biophysical properties (such as structural, functional, and spatial information, amino acid conservation, physicochemical variation, residue mobility, and thermodynamic stability) has been performed at Invitae for this missense variant, however the output from this modeling did not meet the statistical confidence thresholds required to predict the impact of this variant on RYR1 protein function. In summary, the available evidence is currently insufficient to determine the role of this variant in disease. Therefore, it has been classified as a Variant of Uncertain Significance.

NM_000540.3(RYR1):c.11742C>G (p.Ile3914Met)

Gene: RYR1 (ryanodine receptor 1; plus strand). Cytogenetic location: 19q13.2.
Variant type: single nucleotide variant.
Coding change: c.11742C>G on transcript NM_000540.3 (MANE Select); coding-DNA position 11742, C replaced by G.
Protein change: p.Ile3914Met; replaces isoleucine 3914 with methionine.
Molecular consequence: missense variant.
Genome position (GRCh38, 1-based): chr19:38,543,399, C>G. VCF-style: chr19-38543399-C-G. GRCh37 (hg19) VCF-style: chr19-39034039-C-G.
Other names: c.11727C>G, p.Ile3909Met (NM_001042723.2); short protein forms I3909M, I3914M.
Identifiers: ClinVar variation 1984459 (VCV001984459.4), dbSNP rs1972284747, ClinGen allele CA405661275.